The following is an entry in ClinVar:

NM_182961.4(SYNE1):c.20843A>G (p.Glu6948Gly)

Gene: SYNE1 (spectrin repeat containing nuclear envelope protein 1; minus strand). Cytogenetic location: 6q25.2.
Variant type: single nucleotide variant.
Coding change: c.20843A>G on transcript NM_182961.4 (MANE Select); coding-DNA position 20843, A replaced by G.
Protein change: p.Glu6948Gly; replaces glutamic acid 6948 with glycine.
Molecular consequence: missense variant.
Genome position (GRCh38, 1-based): chr6:152,232,135, T>C on the plus strand (A>G on the coding strand, the complement: SYNE1 is on the minus strand). VCF-style: chr6-152232135-T-C. GRCh37 (hg19) VCF-style: chr6-152553270-T-C.
Other names: c.20630A>G (NM_033071.3); c.20630A>G, p.Glu6877Gly (NM_033071.5); short protein forms E6948G, E6877G.
Identifiers: ClinVar variation 289165 (VCV000289165.16), dbSNP rs886044105, ClinGen allele CA10606354.
Genomic context (GRCh38, chr6:152,232,135, plus strand): 5'-TCTGAAAATATGAAAAGTTAAAAACAAAAAATTTTAATTACCTTATATTTCTGAAGGTAT[T>C]CATGAATTGCCTTGTAACCTATGGAATTTTTAATATTATCTTCATCCTTCTGAATAACAT-3'
Protein context (NP_892006.3, residues 6938-6958): KNSIGYKAIH[Glu6948Gly]YLQKYKGFKI

ClinVar aggregate classification (germline): Uncertain significance. Review status: criteria provided, multiple submitters, no conflicts (2 of 4 stars). 3 submissions from 3 submitters: Uncertain significance (3). Last evaluated 2020-06-22.

Conditions:
Autosomal recessive ataxia, Beauce type. Also called: Spinocerebellar ataxia, autosomal recessive 8; ATAXIA, RECESSIVE, OF BEAUCE; SYNE1 Deficiency; SYNE1-Related Autosomal Recessive Cerebellar Ataxia. Identifiers: Orphanet 88644, MedGen C1853116, MONDO:0012549, OMIM 610743.
Emery-Dreifuss muscular dystrophy 4, autosomal dominant (EDMD4). Also called: EMERY-DREIFUSS MUSCULAR DYSTROPHY 4 WITH VARIABLE FEATURES. Identifiers: Orphanet 261, MedGen C2751807, MONDO:0013071, OMIM 612998.

Submissions (3):

Labcorp Genetics (formerly Invitae), Labcorp
Classification: Uncertain significance for Emery-Dreifuss muscular dystrophy 4, autosomal dominant; Autosomal recessive ataxia, Beauce type. Last evaluated: 2020-06-22. Review status: criteria provided, single submitter. Criteria: Invitae Variant Classification Sherloc (09022015). Collection method: clinical testing. Allele origin: germline.
Comment: This sequence change replaces glutamic acid with glycine at codon 6877 of the SYNE1 protein (p.Glu6877Gly). The glutamic acid residue is highly conserved and there is a moderate physicochemical difference between glutamic acid and glycine. This variant is not present in population databases (ExAC no frequency). This variant has not been reported in the literature in individuals with SYNE1-related conditions. ClinVar contains an entry for this variant (Variation ID: 289165). Algorithms developed to predict the effect of missense changes on protein structure and function are either unavailable or do not agree on the potential impact of this missense change (SIFT: "Deleterious"; PolyPhen-2: "Benign"; Align-GVGD: "Class C15"). In summary, the available evidence is currently insufficient to determine the role of this variant in disease. Therefore, it has been classified as a Variant of Uncertain Significance.

Revvity Omics, Revvity
Classification: Uncertain significance. Last evaluated: 2020-06-10. Review status: criteria provided, single submitter. Criteria: ACMG Guidelines, 2015. Collection method: clinical testing. Allele origin: germline.

Eurofins Ntd Llc (ga)
Classification: Uncertain significance. Last evaluated: 2016-07-18. Review status: criteria provided, single submitter. Criteria: EGL Classification Definitions 2015. Collection method: clinical testing. Allele origin: germline. Observed: 1 variant allele, 1 heterozygote.